The following is an entry in ClinVar:

NM_000070.3(CAPN3):c.1903C>G (p.Gln635Glu)

Gene: CAPN3 (calpain 3; plus strand). Cytogenetic location: 15q15.1.
Variant type: single nucleotide variant.
Coding change: c.1903C>G on transcript NM_000070.3 (MANE Select); coding-DNA position 1903, C replaced by G.
Protein change: p.Gln635Glu; replaces glutamine 635 with glutamic acid.
Molecular consequence: missense variant. On other transcripts: intron variant (3).
Genome position (GRCh38, 1-based): chr15:42,408,313, C>G. VCF-style: chr15-42408313-C-G. GRCh37 (hg19) VCF-style: chr15-42700511-C-G.
Other names: c.1885C>G, p.Gln629Glu (NM_024344.2); c.367C>G, p.Gln123Glu (NM_173088.2); c.1639-990C>G (NM_173087.2); c.-81-990C>G (NM_173090.2, NM_173089.2); short protein forms Q629E, Q635E, Q123E.
Identifiers: ClinVar variation 4737117 (VCV004737117.1).

ClinVar aggregate classification (germline): Uncertain significance (1 of 4 stars; one submission).

Conditions:
Autosomal recessive limb-girdle muscular dystrophy type 2A (LGMDR1). Also called: Limb-girdle muscular dystrophy, type 2A; Calpainopathy; LEYDEN-MOEBIUS MUSCULAR DYSTROPHY; MUSCULAR DYSTROPHY, PELVOFEMORAL; Muscular dystrophy, limb-girdle, type 2A, Amish. Identifiers: Orphanet 267, MedGen C1869123, MONDO:0009675, OMIM 253600. Disease mechanism: loss of function.

gnomAD v4.1: 3 of 1,609,968 alleles (0.00019%); highest among the groups gnomAD compares: Non-Finnish European, 0.00026%; no homozygotes.

Submission:

Labcorp Genetics (formerly Invitae), Labcorp
Classification: Uncertain significance for Autosomal recessive limb-girdle muscular dystrophy type 2A. Last evaluated: 2026-02-02. Review status: criteria provided, single submitter. Criteria: Invitae Variant Classification Sherloc (09022015). Collection method: clinical testing. Allele origin: germline.
Comment: This sequence change replaces glutamine, which is neutral and polar, with glutamic acid, which is acidic and polar, at codon 635 of the CAPN3 protein (p.Gln635Glu). This variant is present in population databases (rs768437317, gnomAD 0.0009%). This variant has not been reported in the literature in individuals affected with CAPN3-related conditions. An algorithm developed to predict the effect of missense changes on protein structure and function outputs the following: PolyPhen-2: "Benign". The glutamic acid amino acid residue is found in multiple mammalian species, which suggests that this missense change does not adversely affect protein function. In summary, the available evidence is currently insufficient to determine the role of this variant in disease. Therefore, it has been classified as a Variant of Uncertain Significance.